The following is an entry in ClinVar:

ClinVar aggregate classification (germline): Likely pathogenic (1 of 4 stars; one submission).

Conditions:
Cardiovascular phenotype. Identifiers: MedGen CN230736.

Allele frequency attached by ClinVar (database versions not stated): ExAC 0.00001.
gnomAD v4.1: 3 of 1,613,250 alleles (0.00019%); highest among the groups gnomAD compares: Non-Finnish European, 0.00017%; no homozygotes.

Submission:

Ambry Genetics
Classification: Likely pathogenic for Cardiovascular phenotype. Last evaluated: 2022-06-29. Review status: criteria provided, single submitter. Criteria: Ambry Variant Classification Scheme 2023. Collection method: clinical testing. Allele origin: germline.
Comment: The p.E156* variant (also known as c.466G>T), located in coding exon 3 of the APOA5 gene, results from a G to T substitution at nucleotide position 466. This changes the amino acid from a glutamic acid to a stop codon within coding exon 3. This alteration occurs at the 3&rsquo; terminus of the APOA5 gene and is not expected to trigger nonsense-mediated mRNA decay. However, premature stop codons are typically deleterious in nature, and this variant results in the loss of approximately 57% of the protein, including a C-terminal domain that has been implicated in lipid binding (Sun G et al. Chem Phys Lipids, 2006 Sep;143:22-8). This variant is considered to be rare based on population cohorts in the Genome Aggregation Database (gnomAD). Based on the majority of available evidence to date, this variant is likely to be pathogenic.

NM_001371904.1(APOA5):c.466G>T (p.Glu156Ter)

Gene: APOA5 (apolipoprotein A5; minus strand). Cytogenetic location: 11q23.3.
Variant type: single nucleotide variant.
Coding change: c.466G>T on transcript NM_001371904.1 (MANE Select); coding-DNA position 466, G replaced by T.
Protein change: p.Glu156Ter; replaces glutamic acid 156 with a stop codon.
Molecular consequence: nonsense.
Genome position (GRCh38, 1-based): chr11:116,790,763, C>A on the plus strand (G>T on the coding strand, the complement: APOA5 is on the minus strand). VCF-style: chr11-116790763-C-A. GRCh37 (hg19) VCF-style: chr11-116661479-C-A.
Other names: c.466G>T, p.Glu156Ter (NM_001166598.2, NM_052968.5); short protein forms E156*.
Identifiers: ClinVar variation 1742314 (VCV001742314.2), dbSNP rs761704440, ClinGen allele CA6289075.